The following is an entry in ClinVar:

NM_199420.4(POLQ):c.1258C>T (p.Leu420Phe)

Gene: POLQ (DNA polymerase theta; minus strand). Cytogenetic location: 3q13.33.
Variant type: single nucleotide variant.
Coding change: c.1258C>T on transcript NM_199420.4 (MANE Select); coding-DNA position 1258, C replaced by T.
Protein change: p.Leu420Phe; replaces leucine 420 with phenylalanine.
Molecular consequence: missense variant.
Genome position (GRCh38, 1-based): chr3:121,520,081, G>A on the plus strand (C>T on the coding strand, the complement: POLQ is on the minus strand). VCF-style: chr3-121520081-G-A. GRCh37 (hg19) VCF-style: chr3-121238928-G-A.
Other names: short protein forms L420F.
Identifiers: ClinVar variation 3422549 (VCV003422549.1).

ClinVar aggregate classification (germline): Uncertain significance (1 of 4 stars; one submission).

gnomAD v4.1: 7 of 1,596,334 alleles (0.00044%); highest among the groups gnomAD compares: South Asian, 0.0067%; no homozygotes.

Submission:

Ambry Genetics
Classification: Uncertain significance. Last evaluated: 2024-09-15. Review status: criteria provided, single submitter. Criteria: Ambry Variant Classification Scheme 2023. Collection method: clinical testing. Allele origin: germline.
Comment: The p.L420F variant (also known as c.1258C>T), located in coding exon 9 of the POLQ gene, results from a C to T substitution at nucleotide position 1258. The leucine at codon 420 is replaced by phenylalanine, an amino acid with highly similar properties. This amino acid position is conserved. In addition, this alteration is predicted to be deleterious by in silico analysis. Based on the available evidence, the clinical significance of this variant remains unclear.